The following is an entry in ClinVar:

ClinVar aggregate classification (germline): Uncertain significance. Review status: criteria provided, multiple submitters, no conflicts (2 of 4 stars). 2 submissions from 2 submitters: Uncertain significance (2). Last evaluated 2026-06-01.

Conditions:
Inborn genetic diseases. Identifiers: MedGen C0950123, MeSH D030342.

Allele frequency attached by ClinVar (database versions not stated): TOPMed below 0.00001; ExAC 0.00002; gnomAD exomes 0.00002.

Submissions (2):

CeGaT Center for Human Genetics Tuebingen
Classification: Uncertain significance. Last evaluated: 2026-06-01. Review status: criteria provided, single submitter. Criteria: CeGaT Center For Human Genetics Tuebingen Variant Classification Criteria Version 2. Collection method: clinical testing. Allele origin: germline. Affected: yes. Observed: 1 variant allele.
Comment: FLG: PM2, BP4

Ambry Genetics
Classification: Uncertain significance for Inborn genetic diseases. Last evaluated: 2022-03-16. Review status: criteria provided, single submitter. Criteria: Ambry Variant Classification Scheme 2023. Collection method: clinical testing. Allele origin: germline.

NM_002016.2(FLG):c.2224T>C (p.Ser742Pro)

Genes: CCDST (cervical cancer associated DHX9 suppressive transcript; plus strand), FLG (filaggrin; minus strand). Cytogenetic location: 1q21.3.
Variant type: single nucleotide variant.
Coding change: c.2224T>C on transcript NM_002016.2 (MANE Select); coding-DNA position 2224, T replaced by C.
Protein change: p.Ser742Pro; replaces serine 742 with proline.
Molecular consequence: missense variant.
Genome position (GRCh38, 1-based): chr1:152,312,662, A>G on the plus strand (T>C on the coding strand, the complement: FLG is on the minus strand). VCF-style: chr1-152312662-A-G. GRCh37 (hg19) VCF-style: chr1-152285138-A-G.
Other names: short protein forms S742P.
Identifiers: ClinVar variation 2369636 (VCV002369636.4), dbSNP rs774808102, ClinGen allele CA1107275.